The following is an entry in ClinVar:

NM_003072.5(SMARCA4):c.691G>C (p.Gly231Arg)

Gene: SMARCA4 (SWI/SNF related BAF chromatin remodeling complex subunit ATPase 4; plus strand). Cytogenetic location: 19p13.2.
Variant type: single nucleotide variant.
Coding change: c.691G>C on transcript NM_003072.5 (MANE Select); coding-DNA position 691, G replaced by C.
Protein change: p.Gly231Arg; replaces glycine 231 with arginine.
Molecular consequence: missense variant. On other transcripts: non-coding transcript variant (1).
Genome position (GRCh38, 1-based): chr19:10,986,524, G>C. VCF-style: chr19-10986524-G-C. GRCh37 (hg19) VCF-style: chr19-11097200-G-C.
Other names: c.691G>C, p.Gly231Arg (NM_001128844.3, NM_001128845.2, NM_001128846.2 and 6 more transcripts); short protein forms G231R.
Identifiers: ClinVar variation 4802540 (VCV004802540.1).

ClinVar aggregate classification (germline): Uncertain significance (1 of 4 stars; one submission).

Conditions:
Rhabdoid tumor predisposition syndrome 2 (RTPS2). Identifiers: Orphanet 231108, Orphanet 69077, MedGen C2750074, MONDO:0013224, OMIM 613325.

Submission:

Labcorp Genetics (formerly Invitae), Labcorp
Classification: Uncertain significance for Rhabdoid tumor predisposition syndrome 2. Last evaluated: 2025-04-30. Review status: criteria provided, single submitter. Criteria: Invitae Variant Classification Sherloc (09022015). Collection method: clinical testing. Allele origin: germline.
Comment: This sequence change replaces glycine, which is neutral and non-polar, with arginine, which is basic and polar, at codon 231 of the SMARCA4 protein (p.Gly231Arg). This variant is not present in population databases (gnomAD no frequency). This variant has not been reported in the literature in individuals affected with SMARCA4-related conditions. An algorithm developed to predict the effect of missense changes on protein structure and function (PolyPhen-2) suggests that this variant is likely to be disruptive. In summary, the available evidence is currently insufficient to determine the role of this variant in disease. Therefore, it has been classified as a Variant of Uncertain Significance.